The following is an entry in ClinVar:

NM_001195263.2(PDZD7):c.782C>T (p.Ala261Val)

Gene: PDZD7 (PDZ domain containing 7; minus strand). Cytogenetic location: 10q24.31.
Variant type: single nucleotide variant.
Coding change: c.782C>T on transcript NM_001195263.2 (MANE Select); coding-DNA position 782, C replaced by T.
Protein change: p.Ala261Val; replaces alanine 261 with valine.
Molecular consequence: missense variant.
Genome position (GRCh38, 1-based): chr10:101,021,883, G>A on the plus strand (C>T on the coding strand, the complement: PDZD7 is on the minus strand). VCF-style: chr10-101021883-G-A. GRCh37 (hg19) VCF-style: chr10-102781640-G-A.
Other names: c.782C>T, p.Ala261Val (NM_001351044.2, NM_024895.5); short protein forms A261V.
Identifiers: ClinVar variation 450161 (VCV000450161.7), dbSNP rs761747020, ClinGen allele CA5654254.
Genomic context (GRCh38, chr10:101,021,883, plus strand): 5'-TGGCCCTTCAGCACCTCCACGGCCTGGCTGTGGCTGATGTCGTCAAACCTGACACCGTTG[G>A]CTGCCAGGACCTGGTCCCCCACCTTGATGCCATTCTCCTCGGCCAGCCCACCATGGTCCA-3'
Protein context (NP_001182192.1, residues 251-271): GIKVGDQVLA[Ala261Val]NGVRFDDISH

ClinVar aggregate classification (germline): Uncertain significance. Review status: criteria provided, multiple submitters, no conflicts (2 of 4 stars). 2 submissions from 2 submitters: Uncertain significance (2). Last evaluated 2022-09-07.

Allele frequency attached by ClinVar (database versions not stated): TOPMed below 0.00001; gnomAD exomes 0.00001; ExAC 0.00002.

Submissions (2):

Labcorp Genetics (formerly Invitae), Labcorp
Classification: Uncertain significance. Last evaluated: 2022-09-07. Review status: criteria provided, single submitter. Criteria: Invitae Variant Classification Sherloc (09022015). Collection method: clinical testing. Allele origin: germline.
Comment: This sequence change replaces alanine, which is neutral and non-polar, with valine, which is neutral and non-polar, at codon 261 of the PDZD7 protein (p.Ala261Val). This variant is present in population databases (rs761747020, gnomAD 0.003%). This variant has not been reported in the literature in individuals affected with PDZD7-related conditions. ClinVar contains an entry for this variant (Variation ID: 450161). Algorithms developed to predict the effect of missense changes on protein structure and function are either unavailable or do not agree on the potential impact of this missense change (SIFT: "Deleterious"; PolyPhen-2: "Not Available"; Align-GVGD: "Class C55"). In summary, the available evidence is currently insufficient to determine the role of this variant in disease. Therefore, it has been classified as a Variant of Uncertain Significance.

GeneDx
Classification: Uncertain significance. Last evaluated: 2017-07-06. Review status: criteria provided, single submitter. Criteria: GeneDx Variant Classification (06012015). Collection method: clinical testing. Allele origin: germline. Affected: yes.
Comment: The A261V variant in the PDZD7 gene has not been reported previously as a pathogenic variant, nor as a benign variant, to our knowledge. The A261V variant is observed in 3/66738 (0.005%) alleles in the ExAC dataset (Lek et al., 2016). The A261V variant is a conservative amino acid substitution, which is not likely to impact secondary protein structure as these residues share similar properties. This substitution occurs at a position that is conserved across species. In silico analysis is inconsistent in its predictions as to whether or not the variant is damaging to the protein structure/function. We interpret A261V as a variant of uncertain significance.